The following is an entry in ClinVar:

NM_031407.7(HUWE1):c.6652A>G (p.Lys2218Glu)

Gene: HUWE1 (HECT, UBA and WWE domain containing E3 ubiquitin protein ligase 1; minus strand). Cytogenetic location: Xp11.22.
Variant type: single nucleotide variant.
Coding change: c.6652A>G on transcript NM_031407.7 (MANE Select); coding-DNA position 6652, A replaced by G.
Protein change: p.Lys2218Glu; replaces lysine 2218 with glutamic acid.
Molecular consequence: missense variant.
Genome position (GRCh38, 1-based): chrX:53,568,747, T>C on the plus strand (A>G on the coding strand, the complement: HUWE1 is on the minus strand). VCF-style: chrX-53568747-T-C. GRCh37 (hg19) VCF-style: chrX-53595707-T-C.
Other names: short protein forms K2218E.
Identifiers: ClinVar variation 2631240 (VCV002631240.1), dbSNP rs2524422337, ClinGen allele CA413163293.
Genomic context (GRCh38, chrX:53,568,747, plus strand): 5'-TTTACCTGGACAGGTCTAAGCTGTGAGGTACTCTGGCCAGGTCATTAACCAGTCCCTTCT[T>C]CAGGAAAAGCCGAATGATGTTGTTCATGCCATTGTGCTGGGTCTTCGCTGTGGCACTGCT-3'
Protein context (NP_113584.3, residues 2208-2228): GMNNIIRLFL[Lys2218Glu]KGLVNDLARV

ClinVar aggregate classification (germline): Likely pathogenic (1 of 4 stars; one submission).

Conditions:
HUWE1-related disorder. Also called: HUWE1-related condition.

Submission:

PreventionGenetics, part of Exact Sciences
Classification: Likely pathogenic for HUWE1-related condition. Last evaluated: 2023-09-06. Review status: criteria provided, single submitter. Criteria: ACMG Guidelines, 2015. Collection method: clinical testing. Allele origin: germline.
Comment: The HUWE1 c.6652A>G variant is predicted to result in the amino acid substitution p.Lys2218Glu. To our knowledge, this variant has not been reported in the literature or in a large population database, indicating this variant is rare. This variant is interpreted as likely pathogenic.